The following is an entry in ClinVar:

ClinVar aggregate classification (germline): Uncertain significance. Review status: criteria provided, multiple submitters, no conflicts (2 of 4 stars). 3 submissions from 3 submitters: Uncertain significance (3). Last evaluated 2024-07-12.

Conditions:
Inborn genetic diseases. Identifiers: MedGen C0950123, MeSH D030342.

Allele frequency attached by ClinVar (database versions not stated): ExAC 0.00005; ESP Exome Variant Server 0.00008; gnomAD 0.00009; TOPMed 0.00011.
gnomAD v4.1: 47 of 1,613,296 alleles (0.0029%); highest among the groups gnomAD compares: African/African-American, 0.013%; no homozygotes.

Submissions (3):

Women's Health and Genetics/Laboratory Corporation of America, LabCorp
Classification: Uncertain significance. Last evaluated: 2024-07-12. Review status: criteria provided, single submitter. Criteria: LabCorp Variant Classification Summary - May 2015. Collection method: clinical testing. Allele origin: germline.
Comment: Variant summary: MYO18B c.3064C>T (p.Arg1022Cys) results in a non-conservative amino acid change in the encoded protein sequence. Three of five in-silico tools predict a damaging effect of the variant on protein function. The variant allele was found at a frequency of 3.2e-05 in 247454 control chromosomes (gnomAD). The available data on variant occurrences in the general population are insufficient to allow any conclusion about variant significance. To our knowledge, no occurrence of c.3064C>T in individuals affected with Klippel-Feil Anomaly-Myopathy Dysmorphism Syndrome and no experimental evidence demonstrating its impact on protein function have been reported. ClinVar contains an entry for this variant (Variation ID: 2190842). Based on the evidence outlined above, the variant was classified as uncertain significance.

Ambry Genetics
Classification: Uncertain significance for Inborn genetic diseases. Last evaluated: 2024-01-08. Review status: criteria provided, single submitter. Criteria: Ambry Variant Classification Scheme 2023. Collection method: clinical testing. Allele origin: germline.

Labcorp Genetics (formerly Invitae), Labcorp
Classification: Uncertain significance. Last evaluated: 2022-06-14. Review status: criteria provided, single submitter. Criteria: Invitae Variant Classification Sherloc (09022015). Collection method: clinical testing. Allele origin: germline.
Comment: This sequence change replaces arginine, which is basic and polar, with cysteine, which is neutral and slightly polar, at codon 1022 of the MYO18B protein (p.Arg1022Cys). This variant is present in population databases (rs376614698, gnomAD 0.02%). This variant has not been reported in the literature in individuals affected with MYO18B-related conditions. Algorithms developed to predict the effect of missense changes on protein structure and function are either unavailable or do not agree on the potential impact of this missense change (SIFT: "Not Available"; PolyPhen-2: "Benign"; Align-GVGD: "Not Available"). In summary, the available evidence is currently insufficient to determine the role of this variant in disease. Therefore, it has been classified as a Variant of Uncertain Significance.

NM_032608.7(MYO18B):c.3064C>T (p.Arg1022Cys)

Gene: MYO18B (myosin XVIIIB; plus strand). Cytogenetic location: 22q12.1.
Variant type: single nucleotide variant.
Coding change: c.3064C>T on transcript NM_032608.7 (MANE Select); coding-DNA position 3064, C replaced by T.
Protein change: p.Arg1022Cys; replaces arginine 1022 with cysteine.
Molecular consequence: missense variant.
Genome position (GRCh38, 1-based): chr22:25,835,299, C>T. VCF-style: chr22-25835299-C-T. GRCh37 (hg19) VCF-style: chr22-26231266-C-T.
Other names: c.3067C>T, p.Arg1023Cys (NM_001318245.2); c.3064C>T (NM_032608.5); short protein forms R1023C, R1022C.
Identifiers: ClinVar variation 2190842 (VCV002190842.3), dbSNP rs376614698, ClinGen allele CA10160444.